The following is an entry in ClinVar:

NM_004415.4(DSP):c.5413T>C (p.Cys1805Arg)

Gene: DSP (desmoplakin; plus strand). Cytogenetic location: 6p24.3.
Variant type: single nucleotide variant.
Coding change: c.5413T>C on transcript NM_004415.4 (MANE Select); coding-DNA position 5413, T replaced by C.
Protein change: p.Cys1805Arg; replaces cysteine 1805 with arginine.
Molecular consequence: missense variant.
Genome position (GRCh38, 1-based): chr6:7,582,675, T>C. VCF-style: chr6-7582675-T-C. GRCh37 (hg19) VCF-style: chr6-7582908-T-C.
Other names: c.3616T>C, p.Cys1206Arg (NM_001008844.3); c.4084T>C, p.Cys1362Arg (NM_001319034.2); short protein forms C1206R, C1805R, C1362R.
Identifiers: ClinVar variation 926040 (VCV000926040.7), dbSNP rs746731287, ClinGen allele CA362688567.

ClinVar aggregate classification (germline): Uncertain significance. Review status: criteria provided, multiple submitters, no conflicts (2 of 4 stars). 3 submissions from 3 submitters: Uncertain significance (3). Last evaluated 2024-03-06.

Conditions:
Cardiovascular phenotype. Identifiers: MedGen CN230736.
Cardiomyopathy (CMYO). Also called: Cardiomyopathies. Identifiers: Orphanet 167848, MedGen C0878544, MONDO:0004994, HP:0001638. Inheritance: Various modes of inheritance.
Arrhythmogenic right ventricular dysplasia 8 (ARVD8). Also called: Arrhythmogenic Right Ventricular Dysplasia/Cardiomyopathy 8; ARRHYTHMOGENIC RIGHT VENTRICULAR DYSPLASIA, FAMILIAL, 8; ARRHYTHMOGENIC RIGHT VENTRICULAR CARDIOMYOPATHY 8. Identifiers: MedGen C1843896, MONDO:0011831, OMIM 607450.
Arrhythmogenic cardiomyopathy with wooly hair and keratoderma. Also called: PALMOPLANTAR KERATODERMA WITH LEFT VENTRICULAR CARDIOMYOPATHY AND WOOLLY HAIR; Carvajal syndrome; Dilated cardiomyopathy with woolly hair and keratoderma; Arrhythmogenic cardiomyopathy with woolly hair and keratoderma. Identifiers: Orphanet 65282, MedGen C1854063, MONDO:0011581, OMIM 605676.

gnomAD v4.1: 2 of 1,613,776 alleles (0.00012%); highest among the groups gnomAD compares: East Asian, 0.0045%; no homozygotes.

Submissions (3):

Color Diagnostics, LLC DBA Color Health
Classification: Uncertain significance for Cardiomyopathy. Last evaluated: 2024-03-06. Review status: criteria provided, single submitter. Criteria: ACMG Guidelines, 2015. Collection method: clinical testing. Allele origin: germline.
Comment: This missense variant replaces cysteine with arginine at codon 1805 of the DSP protein. Computational prediction suggests that this variant may not impact protein structure and function (internally defined REVEL score threshold <= 0.5, PMID: 27666373). To our knowledge, functional studies have not been reported for this variant. This variant has not been reported in individuals affected with cardiovascular disorders in the literature. This variant has not been identified in the general population by the Genome Aggregation Database (gnomAD). The available evidence is insufficient to determine the role of this variant in disease conclusively. Therefore, this variant is classified as a Variant of Uncertain Significance.

Labcorp Genetics (formerly Invitae), Labcorp
Classification: Uncertain significance for Arrhythmogenic cardiomyopathy with wooly hair and keratoderma; Arrhythmogenic right ventricular dysplasia 8. Last evaluated: 2024-02-17. Review status: criteria provided, single submitter. Criteria: Invitae Variant Classification Sherloc (09022015). Collection method: clinical testing. Allele origin: germline.
Comment: This sequence change replaces cysteine, which is neutral and slightly polar, with arginine, which is basic and polar, at codon 1805 of the DSP protein (p.Cys1805Arg). This variant is not present in population databases (gnomAD no frequency). This variant has not been reported in the literature in individuals affected with DSP-related conditions. ClinVar contains an entry for this variant (Variation ID: 926040). An algorithm developed to predict the effect of missense changes on protein structure and function (PolyPhen-2) suggests that this variant is likely to be disruptive. In summary, the available evidence is currently insufficient to determine the role of this variant in disease. Therefore, it has been classified as a Variant of Uncertain Significance.

Ambry Genetics
Classification: Uncertain significance for Cardiovascular phenotype. Last evaluated: 2023-11-26. Review status: criteria provided, single submitter. Criteria: Ambry Variant Classification Scheme 2023. Collection method: clinical testing. Allele origin: germline.
Comment: The p.C1805R variant (also known as c.5413T>C), located in coding exon 24 of the DSP gene, results from a T to C substitution at nucleotide position 5413. The cysteine at codon 1805 is replaced by arginine, an amino acid with highly dissimilar properties. This amino acid position is conserved. In addition, the in silico prediction for this alteration is inconclusive. Since supporting evidence is limited at this time, the clinical significance of this alteration remains unclear.